The following is an entry in ClinVar:

NM_004360.5(CDH1):c.710C>G (p.Ser237Cys)

Gene: CDH1 (cadherin 1; plus strand). Cytogenetic location: 16q22.1.
Variant type: single nucleotide variant.
Coding change: c.710C>G on transcript NM_004360.5 (MANE Select); coding-DNA position 710, C replaced by G.
Protein change: p.Ser237Cys; replaces serine 237 with cysteine.
Molecular consequence: missense variant. On other transcripts: 5 prime UTR variant (2).
Genome position (GRCh38, 1-based): chr16:68,810,219, C>G. VCF-style: chr16-68810219-C-G. GRCh37 (hg19) VCF-style: chr16-68844122-C-G.
Other names: c.710C>G, p.Ser237Cys (NM_001317184.2); c.-906C>G (NM_001317185.2); c.-1110C>G (NM_001317186.2); short protein forms S237C.
Identifiers: ClinVar variation 927229 (VCV000927229.11), dbSNP rs1960780087, ClinGen allele CA396458431.

ClinVar aggregate classification (germline): Uncertain significance. Review status: criteria provided, multiple submitters, no conflicts (2 of 4 stars). 2 submissions from 2 submitters: Uncertain significance (2). Last evaluated 2024-03-06.

Conditions:
Hereditary cancer-predisposing syndrome. Also called: Tumor predisposition; Hereditary neoplastic syndrome; Neoplastic Syndromes, Hereditary; Hereditary Cancer Syndrome. Identifiers: Orphanet 140162, MedGen C0027672, MeSH D009386, MONDO:0015356.
Hereditary diffuse gastric adenocarcinoma (HDGC). Also called: DIFFUSE GASTRIC AND LOBULAR BREAST CANCER SYNDROME. Identifiers: Orphanet 26106, MedGen C1708349, MONDO:0007648, OMIM 137215.

Submissions (2):

Color Diagnostics, LLC DBA Color Health
Classification: Uncertain significance for Hereditary cancer-predisposing syndrome. Last evaluated: 2024-03-06. Review status: criteria provided, single submitter. Criteria: ACMG Guidelines, 2015. Collection method: clinical testing. Allele origin: germline.
Comment: This missense variant replaces serine with cysteine at codon 237 of the CDH1 protein. Computational prediction tool suggests that this variant may not impact protein structure and function (internally defined REVEL score threshold <=0.5, PMID: 27666373). Splice site prediction tools suggest that this variant may not impact RNA splicing. To our knowledge, functional studies have not been performed for this variant. This variant has not been reported in individuals affected with hereditary cancer in the literature. This variant has not been identified in the general population by the Genome Aggregation Database (gnomAD). The available evidence is insufficient to determine the role of this variant in disease conclusively. Therefore, this variant is classified as a Variant of Uncertain Significance.

Labcorp Genetics (formerly Invitae), Labcorp
Classification: Uncertain significance for Hereditary diffuse gastric adenocarcinoma. Last evaluated: 2022-03-24. Review status: criteria provided, single submitter. Criteria: Invitae Variant Classification Sherloc (09022015). Collection method: clinical testing. Allele origin: germline.
Comment: In summary, the available evidence is currently insufficient to determine the role of this variant in disease. Therefore, it has been classified as a Variant of Uncertain Significance. Algorithms developed to predict the effect of missense changes on protein structure and function are either unavailable or do not agree on the potential impact of this missense change (SIFT: "Tolerated"; PolyPhen-2: "Probably Damaging"; Align-GVGD: "Class C15"). ClinVar contains an entry for this variant (Variation ID: 927229). This variant has not been reported in the literature in individuals affected with CDH1-related conditions. This variant is not present in population databases (gnomAD no frequency). This sequence change replaces serine, which is neutral and polar, with cysteine, which is neutral and slightly polar, at codon 237 of the CDH1 protein (p.Ser237Cys).